The following is an entry in ClinVar:

NM_001972.4(ELANE):c.368T>C (p.Leu123Pro)

Gene: ELANE (elastase, neutrophil expressed; plus strand). Cytogenetic location: 19p13.3.
Variant type: single nucleotide variant.
Coding change: c.368T>C on transcript NM_001972.4 (MANE Select); coding-DNA position 368, T replaced by C.
Protein change: p.Leu123Pro; replaces leucine 123 with proline.
Molecular consequence: missense variant.
Genome position (GRCh38, 1-based): chr19:855,565, T>C. VCF-style: chr19-855565-T-C. GRCh37 (hg19) VCF-style: chr19-855565-T-C.
Other names: short protein forms L123P.
Identifiers: ClinVar variation 1012306 (VCV001012306.6), dbSNP rs2145148405, ClinGen allele CA402917698.

ClinVar aggregate classification (germline): Conflicting classifications of pathogenicity. Review status: criteria provided, conflicting classifications (1 of 4 stars). 3 submissions from 3 submitters: Likely pathogenic (1); Uncertain significance (1). 1 of the submissions does not count toward it. Last evaluated 2023-12-19.

Conditions:
Neutropenia, severe congenital, 1, autosomal dominant. Identifiers: MedGen C1859966, MONDO:0042490, OMIM 202700.
Cyclical neutropenia. Also called: Cyclic hematopoiesis; Cyclic Neutropenia. Identifiers: Orphanet 2686, MedGen C0221023, MONDO:0008090, OMIM 162800, HP:0040289. Disease mechanism: loss of function.

Submissions (3):

Labcorp Genetics (formerly Invitae), Labcorp
Classification: Uncertain significance for Neutropenia, severe congenital, 1, autosomal dominant; Cyclical neutropenia. Last evaluated: 2023-12-19. Review status: criteria provided, single submitter. Criteria: Invitae Variant Classification Sherloc (09022015). Collection method: clinical testing. Allele origin: germline.
Comment: This sequence change replaces leucine, which is neutral and non-polar, with proline, which is neutral and non-polar, at codon 123 of the ELANE protein (p.Leu123Pro). This variant is not present in population databases (gnomAD no frequency). This missense change has been observed in individual(s) with clinical features of severe congenital neutropenia (PMID: 14962902, 23463630, 33942430). This variant is also known as c.455T>C (p.Leu152Pro). ClinVar contains an entry for this variant (Variation ID: 1012306). An algorithm developed to predict the effect of missense changes on protein structure and function (PolyPhen-2) suggests that this variant is likely to be disruptive. In summary, the available evidence is currently insufficient to determine the role of this variant in disease. Therefore, it has been classified as a Variant of Uncertain Significance.

Beijing Key Laboratry for Genetics of Birth Defects, Beijing Children's Hospital
Classification: Likely pathogenic for Neutropenia, severe congenital, 1, autosomal dominant. Last evaluated: 2020-12-20. Review status: criteria provided, single submitter. Criteria: ACMG Guidelines, 2015. Collection method: clinical testing. Allele origin: de novo. Affected: yes. Observed: 1 variant allele.

Laboratory of Immunopathology and Genetics, Medical Laboratory of Pediatric Oncology and Hematology, Central Clinical Hospital of the Medical University of Lodz
Classification: Likely pathogenic for Neutropenia, severe congenital, 1, autosomal dominant. Last evaluated: 2024-12-01. Review status: no assertion criteria provided. Collection method: clinical testing. Allele origin: germline. Affected: yes. Observed: 1 variant allele. Not counted in ClinVar's aggregate classification.

Literature cited by the submitters: PubMed 14962902 (cited by Labcorp Genetics (formerly Invitae), Labcorp); PubMed 23463630 (cited by 3 submitters); PubMed 33942430 (cited by Labcorp Genetics (formerly Invitae), Labcorp).